The following is an entry in ClinVar:

NM_032620.4(GTPBP3):c.114G>C (p.Ala38=)

Gene: GTPBP3 (GTP binding protein 3, mitochondrial; plus strand). Cytogenetic location: 19p13.11.
Variant type: single nucleotide variant.
Coding change: c.114G>C on transcript NM_032620.4 (MANE Select); coding-DNA position 114, G replaced by C.
Protein change: p.Ala38=; no amino-acid change (alanine 38 retained).
Molecular consequence: synonymous variant.
Genome position (GRCh38, 1-based): chr19:17,338,068, G>C. VCF-style: chr19-17338068-G-C. GRCh37 (hg19) VCF-style: chr19-17448877-G-C.
Other names: c.114G>C, p.Ala38= (NM_001128855.3, NM_133644.4); c.180G>C, p.Ala60= (NM_001195422.1).
Identifiers: ClinVar variation 383499 (VCV000383499.1), dbSNP rs781637877, ClinGen allele CA9293234.
Genomic context (GRCh38, chr19:17,338,068, plus strand): 5'-ATTGTGCACGCGCCGGAGCAGCGGCGCACCAGCCCCCGGCTCCGGCGCCACCATCTTCGC[G>C]CTAAGCTCTGGCCAAGGCCGCTGCGGCATCGCAGTGATCCGGACCAGCGGCCCCGCCAGC-3'
Protein context (NP_116009.2, residues 28-48): PAPGSGATIF[Ala38=]LSSGQGRCGI

ClinVar aggregate classification (germline): Likely benign (1 of 4 stars; one submission).

Allele frequency attached by ClinVar (database versions not stated): TOPMed 0.00001 and 0.00002; ExAC 0.00002.

Submission:

GeneDx
Classification: Likely benign. Last evaluated: 2016-02-24. Review status: criteria provided, single submitter. Criteria: GeneDx Variant Classification (06012015). Collection method: clinical testing. Allele origin: germline. Affected: yes.
Comment: This variant is considered likely benign or benign based on one or more of the following criteria: it is a conservative change, it occurs at a poorly conserved position in the protein, it is predicted to be benign by multiple in silico algorithms, and/or has population frequency not consistent with disease.